The following is an entry in ClinVar:

ClinVar aggregate classification (germline): Uncertain significance. Review status: criteria provided, multiple submitters, no conflicts (2 of 4 stars). 4 submissions from 4 submitters: Uncertain significance (4). Last evaluated 2024-01-23.

Conditions:
Muscular dystrophy-dystroglycanopathy type B6 (MDDGB6). Also called: MUSCULAR DYSTROPHY, CONGENITAL, LARGE-RELATED; MUSCULAR DYSTROPHY, CONGENITAL, TYPE 1D; MUSCULAR DYSTROPHY-DYSTROGLYCANOPATHY (CONGENITAL WITH IMPAIRED INTELLECTUAL DEVELOPMENT), TYPE B, 6. Identifiers: MedGen C1837229, MONDO:0012138, OMIM 608840.
Muscular dystrophy-dystroglycanopathy (congenital with brain and eye anomalies), type A6. Also called: MUSCULAR DYSTROPHY-DYSTROGLYCANOPATHY (CONGENITAL WITH BRAIN AND EYE ANOMALIES), TYPE A, 6; WALKER-WARBURG SYNDROME OR MUSCLE-EYE-BRAIN DISEASE, LARGE-RELATED. Identifiers: Orphanet 588, Orphanet 899, MedGen C3150414, MONDO:0013158, OMIM 613154.

Allele frequency attached by ClinVar (database versions not stated): TOPMed 0.00002; gnomAD 0.00005.
gnomAD v4.1: 89 of 1,614,000 alleles (0.0055%); highest among the groups gnomAD compares: Non-Finnish European, 0.007%; no homozygotes.

Submissions (4):

Fulgent Genetics
Classification: Uncertain significance for Muscular dystrophy-dystroglycanopathy type B6; Muscular dystrophy-dystroglycanopathy (congenital with brain and eye anomalies), type A6. Last evaluated: 2024-01-23. Review status: criteria provided, single submitter. Criteria: ACMG Guidelines, 2015. Collection method: clinical testing. Allele origin: germline.

GeneDx
Classification: Uncertain significance. Last evaluated: 2022-04-20. Review status: criteria provided, single submitter. Criteria: GeneDx Variant Classification Process June 2021. Collection method: clinical testing. Allele origin: germline. Affected: yes.
Comment: Not observed at significant frequency in large population cohorts (gnomAD); In silico analysis supports that this missense variant does not alter protein structure/function; Has not been previously published as pathogenic or benign to our knowledge; This variant is associated with the following publications: (PMID: 25279699, 24709677)

Labcorp Genetics (formerly Invitae), Labcorp
Classification: Uncertain significance for Muscular dystrophy-dystroglycanopathy type B6. Last evaluated: 2022-01-20. Review status: criteria provided, single submitter. Criteria: Invitae Variant Classification Sherloc (09022015). Collection method: clinical testing. Allele origin: germline.
Comment: This sequence change replaces aspartic acid, which is acidic and polar, with asparagine, which is neutral and polar, at codon 584 of the LARGE1 protein (p.Asp584Asn). This variant is present in population databases (rs771499820, gnomAD 0.002%). This variant has not been reported in the literature in individuals affected with LARGE1-related conditions. Algorithms developed to predict the effect of missense changes on protein structure and function are either unavailable or do not agree on the potential impact of this missense change (SIFT: "Deleterious"; PolyPhen-2: "Possibly Damaging"; Align-GVGD: "Class C0"). In summary, the available evidence is currently insufficient to determine the role of this variant in disease. Therefore, it has been classified as a Variant of Uncertain Significance.

Revvity Omics, Revvity
Classification: Uncertain significance. Last evaluated: 2021-03-01. Review status: criteria provided, single submitter. Criteria: ACMG Guidelines, 2015. Collection method: clinical testing. Allele origin: germline.

NM_133642.5(LARGE1):c.1750G>A (p.Asp584Asn)

Gene: LARGE1 (LARGE xylosyl- and glucuronyltransferase 1; minus strand). Cytogenetic location: 22q12.3.
Variant type: single nucleotide variant.
Coding change: c.1750G>A on transcript NM_133642.5 (MANE Select); coding-DNA position 1750, G replaced by A.
Protein change: p.Asp584Asn; replaces aspartic acid 584 with asparagine.
Molecular consequence: missense variant. On other transcripts: intron variant (3).
Genome position (GRCh38, 1-based): chr22:33,283,329, C>T on the plus strand (G>A on the coding strand, the complement: LARGE1 is on the minus strand). VCF-style: chr22-33283329-C-T. GRCh37 (hg19) VCF-style: chr22-33679315-C-T.
Other names: c.1750G>A, p.Asp584Asn (NM_001362949.2, NM_001362951.2, NM_001362953.2 and 4 more transcripts); c.1594G>A, p.Asp532Asn (NM_001378629.1); c.1147G>A, p.Asp383Asn (NM_001378630.1); c.1731-6074G>A (NM_001378627.1, NM_001378628.1); c.972-6074G>A (NM_001378631.1); c.1750G>A (NM_004737.6); short protein forms D383N, D532N, D584N.
Identifiers: ClinVar variation 1711989 (VCV001711989.7), dbSNP rs771499820, ClinGen allele CA10202652.
Genomic context (GRCh38, chr22:33,283,329, plus strand): 5'-GCCGGTAGCGCAGTGTCTCGAACGCGGGGACAATCATTGCTTTCTTGGTGTTGGCAAGAT[C>T]GAGCTGGATGACAGACTTCCTGAAAAGAGGGGACAGGCAGAGAGACAGAGTCCCTGTGAC-3'
Protein context (NP_598397.1, residues 574-594): EYLRKSVIQL[Asp584Asn]LANTKKAMIV